The following is an entry in ClinVar:

ClinVar aggregate classification (germline): Uncertain significance (1 of 4 stars; one submission).

Conditions:
Velocardiofacial syndrome (VCFS). Also called: SHPRINTZEN VCF SYNDROME; VCF SYNDROME; Shprintzen syndrome. Identifiers: Orphanet 567, MedGen C0220704, MONDO:0008644, OMIM 192430. Disease mechanism: loss of function.

Submission:

OLLIN Analises Genomicas, OLLIN
Classification: Uncertain significance for Velocardiofacial syndrome. Last evaluated: 2026-02-13. Review status: criteria provided, single submitter. Criteria: ACMG Guidelines 2015 PMID 25741868. Collection method: clinical testing. Allele origin: germline. Observed: 1 variant allele.
Comment: PM2_P

NM_001379200.1(TBX1):c.430G>T (p.Ala144Ser)

Gene: TBX1 (T-box transcription factor 1; plus strand). Cytogenetic location: 22q11.21.
Variant type: single nucleotide variant.
Coding change: c.430G>T on transcript NM_001379200.1 (MANE Select); coding-DNA position 430, G replaced by T.
Protein change: p.Ala144Ser; replaces alanine 144 with serine.
Molecular consequence: missense variant.
Genome position (GRCh38, 1-based): chr22:19,761,273, G>T. VCF-style: chr22-19761273-G-T. GRCh37 (hg19) VCF-style: chr22-19748796-G-T.
Other names: c.403G>T, p.Ala135Ser (NM_005992.1, NM_080646.2, NM_080647.1); short protein forms A135S, A144S.
Identifiers: ClinVar variation 4814110 (VCV004814110.1).
Genomic context (GRCh38, chr22:19,761,273, plus strand): 5'-GAGATGAAGGCGCTGTGGGACGAGTTCAACCAGCTGGGCACCGAGATGATCGTCACCAAG[G>T]CCGGCAGGTCAGGGCGCCCCTCCCCACGCCGCGACCCTCCCCACGTGCTGCCGCCAGGGC-3'
Protein context (NP_001366129.1, residues 134-154): QLGTEMIVTK[Ala144Ser]GRRMFPTFQV